The following is an entry in ClinVar:

NM_000245.4(MET):c.2849G>T (p.Gly950Val)

Gene: MET (MET proto-oncogene, receptor tyrosine kinase; plus strand). Cytogenetic location: 7q31.2.
Variant type: single nucleotide variant.
Coding change: c.2849G>T on transcript NM_000245.4 (MANE Select); coding-DNA position 2849, G replaced by T.
Protein change: p.Gly950Val; replaces glycine 950 with valine.
Molecular consequence: missense variant.
Genome position (GRCh38, 1-based): chr7:116,771,616, G>T. VCF-style: chr7-116771616-G-T. GRCh37 (hg19) VCF-style: chr7-116411670-G-T.
Other names: c.2903G>T, p.Gly968Val (NM_001127500.3); c.1559G>T, p.Gly520Val (NM_001324402.2); short protein forms G968V, G950V, G520V.
Identifiers: ClinVar variation 1369598 (VCV001369598.8), dbSNP rs2116992857, ClinGen allele CA368986674.

ClinVar aggregate classification (germline): Uncertain significance (1 of 4 stars; one submission).

Conditions:
Renal cell carcinoma. Identifiers: Orphanet 217071, MedGen C0007134, MeSH D002292, MONDO:0005086, HP:0005584.

Submission:

Labcorp Genetics (formerly Invitae), Labcorp
Classification: Uncertain significance for Renal cell carcinoma. Last evaluated: 2021-02-08. Review status: criteria provided, single submitter. Criteria: Invitae Variant Classification Sherloc (09022015). Collection method: clinical testing. Allele origin: germline.
Comment: In summary, the available evidence is currently insufficient to determine the role of this variant in disease. Therefore, it has been classified as a Variant of Uncertain Significance. Algorithms developed to predict the effect of missense changes on protein structure and function are either unavailable or do not agree on the potential impact of this missense change (SIFT: "Tolerated"; PolyPhen-2: "Possibly Damaging"; Align-GVGD: "Class C0"). This variant has not been reported in the literature in individuals with MET-related conditions. This variant is not present in population databases (ExAC no frequency). This sequence change replaces glycine with valine at codon 968 of the MET protein (p.Gly968Val). The glycine residue is moderately conserved and there is a moderate physicochemical difference between glycine and valine.